The following is an entry in ClinVar:

ClinVar aggregate classification (germline): Uncertain significance (1 of 4 stars; one submission).

Conditions:
Inflammatory bowel disease 28. Also called: Inflammatory bowel disease 28, early onset, autosomal recessive. Identifiers: Orphanet 238569, MedGen C2751053, MONDO:0013153, OMIM 613148.

Allele frequency attached by ClinVar (database versions not stated): gnomAD exomes 0.00004; ExAC 0.00006; TOPMed 0.00011; gnomAD 0.00013; ESP Exome Variant Server 0.00015; 1000 Genomes Project 30x 0.00031; 1000 Genomes Project 0.00040.

Submission:

Labcorp Genetics (formerly Invitae), Labcorp
Classification: Uncertain significance for Inflammatory bowel disease 28. Last evaluated: 2025-10-22. Review status: criteria provided, single submitter. Criteria: Invitae Variant Classification Sherloc (09022015). Collection method: clinical testing. Allele origin: germline.
Comment: This sequence change replaces asparagine, which is neutral and polar, with serine, which is neutral and polar, at codon 136 of the IL10RA protein (p.Asn136Ser). This variant is present in population databases (rs150401784, gnomAD 0.01%). This variant has not been reported in the literature in individuals affected with IL10RA-related conditions. ClinVar contains an entry for this variant (Variation ID: 642967). Invitae Evidence Modeling of protein sequence and biophysical properties (such as structural, functional, and spatial information, amino acid conservation, physicochemical variation, residue mobility, and thermodynamic stability) indicates that this missense variant is not expected to disrupt IL10RA protein function with a negative predictive value of 80%. In summary, the available evidence is currently insufficient to determine the role of this variant in disease. Therefore, it has been classified as a Variant of Uncertain Significance.

NM_001558.4(IL10RA):c.407A>G (p.Asn136Ser)

Gene: IL10RA (interleukin 10 receptor subunit alpha; plus strand). Cytogenetic location: 11q23.3.
Variant type: single nucleotide variant.
Coding change: c.407A>G on transcript NM_001558.4 (MANE Select); coding-DNA position 407, A replaced by G.
Protein change: p.Asn136Ser; replaces asparagine 136 with serine.
Molecular consequence: missense variant. On other transcripts: non-coding transcript variant (1).
Genome position (GRCh38, 1-based): chr11:117,993,280, A>G. VCF-style: chr11-117993280-A-G. GRCh37 (hg19) VCF-style: chr11-117863995-A-G.
Other names: short protein forms N136S.
Identifiers: ClinVar variation 642967 (VCV000642967.7), dbSNP rs150401784, ClinGen allele CA6298942.